The following is an entry in ClinVar:

NM_003107.3(SOX4):c.1333G>T (p.Glu445Ter)

Gene: SOX4 (SRY-box transcription factor 4; plus strand). Cytogenetic location: 6p22.3.
Variant type: single nucleotide variant.
Coding change: c.1333G>T on transcript NM_003107.3 (MANE Select); coding-DNA position 1333, G replaced by T.
Protein change: p.Glu445Ter; replaces glutamic acid 445 with a stop codon.
Molecular consequence: nonsense.
Genome position (GRCh38, 1-based): chr6:21,595,867, G>T. VCF-style: chr6-21595867-G-T. GRCh37 (hg19) VCF-style: chr6-21596098-G-T.
Other names: E445*; c.1333G>T (NM_003107.2).
Identifiers: ClinVar variation 2443795 (VCV002443795.2), dbSNP rs2532642024, ClinGen allele CA363272424.

ClinVar aggregate classification (germline): Pathogenic. Review status: criteria provided, single submitter (1 of 4 stars). 2 submissions from 2 submitters: Pathogenic (1). 1 of the submissions does not count toward it. Last evaluated 2022-05-27.

Conditions:
Coffin-Siris syndrome 10. Also called: INTELLECTUAL DEVELOPMENTAL DISORDER WITH SPEECH DELAY AND DYSMORPHIC FACIES. Identifiers: MedGen C4760583, MONDO:0032791, OMIM 618506.

Submissions (2):

GeneDx
Classification: Pathogenic. Last evaluated: 2022-05-27. Review status: criteria provided, single submitter. Criteria: GeneDx Variant Classification Process June 2021. Collection method: clinical testing. Allele origin: germline. Affected: yes.
Comment: Published functional studies demonstrate a damaging effect; specifically showing the p.E445X variant causes a truncated protein with high stability, but reduced transactivation with dominant negative effect (Angelozzi et al., 2022); Nonsense variant predicted to result in protein truncation as the last 30 amino acids are lost, although loss-of-function variants have not been reported downstream of this position in the protein; Not observed in large population cohorts (gnomAD); This variant is associated with the following publications: (PMID: 35232796)

OMIM
Classification: Pathogenic for INTELLECTUAL DEVELOPMENTAL DISORDER WITH SPEECH DELAY AND DYSMORPHIC FACIES. Last evaluated: 2023-02-02. Review status: no assertion criteria provided. Collection method: literature only. Allele origin: germline. Not counted in ClinVar's aggregate classification.

Literature cited by the submitters: PubMed 35232796 (cited by OMIM).